The following is an entry in ClinVar:

NM_015021.3(ZNF292):c.884T>C (p.Leu295Pro)

Gene: ZNF292 (zinc finger protein 292; plus strand). Cytogenetic location: 6q14.3.
Variant type: single nucleotide variant.
Coding change: c.884T>C on transcript NM_015021.3 (MANE Select); coding-DNA position 884, T replaced by C.
Protein change: p.Leu295Pro; replaces leucine 295 with proline.
Molecular consequence: missense variant.
Genome position (GRCh38, 1-based): chr6:87,245,508, T>C. VCF-style: chr6-87245508-T-C. GRCh37 (hg19) VCF-style: chr6-87955226-T-C.
Other names: c.464T>C, p.Leu155Pro (NM_001351444.2); short protein forms L155P, L295P.
Identifiers: ClinVar variation 4293119 (VCV004293119.1).

ClinVar aggregate classification (germline): Uncertain significance (1 of 4 stars; one submission).

Conditions:
Intellectual developmental disorder, autosomal dominant 64. Also called: MENTAL RETARDATION, AUTOSOMAL DOMINANT 64. Identifiers: MedGen C5543067, MONDO:0030934, OMIM 619188.

Submission:

3billion
Classification: Uncertain significance for Intellectual developmental disorder, autosomal dominant 64. Last evaluated: 2024-11-07. Review status: criteria provided, single submitter. Criteria: ACMG Guidelines, 2015. Collection method: clinical testing. Allele origin: germline. Affected: yes.
Comment: The variant is not observed in the gnomAD v4.1.0 dataset. Predicted Consequence/Location: Missense variant. The majority of the known disease-causing variants of this gene are variants expected to result in premature termination of the protein. In silico tool predictions suggest damaging effect of the variant on gene or gene product [REVEL: 0.84 (>=0.6, sensitivity 0.68 and specificity 0.92)]. Therefore, this variant is classified as VUS according to the recommendation of ACMG/AMP guideline.